The following is an entry in ClinVar:

NM_004655.4(AXIN2):c.132G>C (p.Gln44His)

Gene: AXIN2 (axin 2; minus strand). Cytogenetic location: 17q24.1.
Variant type: single nucleotide variant.
Coding change: c.132G>C on transcript NM_004655.4 (MANE Select); coding-DNA position 132, G replaced by C.
Protein change: p.Gln44His; replaces glutamine 44 with histidine.
Molecular consequence: missense variant.
Genome position (GRCh38, 1-based): chr17:65,558,489, C>G on the plus strand (G>C on the coding strand, the complement: AXIN2 is on the minus strand). VCF-style: chr17-65558489-C-G. GRCh37 (hg19) VCF-style: chr17-63554607-C-G.
Other names: c.132G>C, p.Gln44His (NM_001363813.1); short protein forms Q44H.
Identifiers: ClinVar variation 1484803 (VCV001484803.8), dbSNP rs2044309638, ClinGen allele CA400682090.
Genomic context (GRCh38, chr17:65,558,489, plus strand): 5'-CTCCCCCAACCCATCTTCGTTCCGCCTGGTGTTGGAAGAGACAGGCATGGGTTTGGTGAC[C>G]TGGCCCTTGCCCACCCCTGGCTGACACGGTGGGGTCTCCCCTTCTTCCCCTGGCACTGGG-3'
Protein context (NP_004646.3, residues 34-54): PPCQPGVGKG[Gln44His]VTKPMPVSSN

ClinVar aggregate classification (germline): Uncertain significance (1 of 4 stars; one submission).

Conditions:
Oligodontia-cancer predisposition syndrome. Also called: TOOTH AGENESIS-COLORECTAL CANCER SYNDROME. Identifiers: Orphanet 300576, MedGen C1837750, MONDO:0012075, OMIM 608615. Disease mechanism: loss of function.

Submission:

Labcorp Genetics (formerly Invitae), Labcorp
Classification: Uncertain significance for Oligodontia-cancer predisposition syndrome. Last evaluated: 2021-05-20. Review status: criteria provided, single submitter. Criteria: Invitae Variant Classification Sherloc (09022015). Collection method: clinical testing. Allele origin: germline.
Comment: In summary, the available evidence is currently insufficient to determine the role of this variant in disease. Therefore, it has been classified as a Variant of Uncertain Significance. Algorithms developed to predict the effect of missense changes on protein structure and function are either unavailable or do not agree on the potential impact of this missense change (SIFT: "Deleterious"; PolyPhen-2: "Benign"; Align-GVGD: "Class C0"). This variant has not been reported in the literature in individuals with AXIN2-related conditions. This variant is not present in population databases (ExAC no frequency). This sequence change replaces glutamine with histidine at codon 44 of the AXIN2 protein (p.Gln44His). The glutamine residue is moderately conserved and there is a small physicochemical difference between glutamine and histidine.